The following is an entry in ClinVar:

ClinVar aggregate classification (germline): Uncertain significance/VUS-high. Review status: criteria provided, multiple submitters, no conflicts (2 of 4 stars). 2 submissions from 2 submitters: Uncertain significance (1); VUS-high (1). Last evaluated 2023-06-02.

Conditions:
Duchenne muscular dystrophy (DMD). Also called: Duchenne Muscular Dystrophy (DMD); MUSCULAR DYSTROPHY, PSEUDOHYPERTROPHIC PROGRESSIVE, DUCHENNE TYPE. Identifiers: Orphanet 98896, MedGen C0013264, MONDO:0010679, OMIM 310200.

Submissions (2):

Labcorp Genetics (formerly Invitae), Labcorp
Classification: Uncertain significance for Duchenne muscular dystrophy. Last evaluated: 2023-06-02. Review status: criteria provided, single submitter. Criteria: Invitae Variant Classification Sherloc (09022015). Collection method: clinical testing. Allele origin: germline.
Comment: In summary, the available evidence is currently insufficient to determine the role of this variant in disease. Therefore, it has been classified as a Variant of Uncertain Significance. Variants that disrupt the consensus splice site are a relatively common cause of aberrant splicing (PMID: 17576681, 9536098). Algorithms developed to predict the effect of sequence changes on RNA splicing suggest that this variant may disrupt the consensus splice site. This variant has been observed in individuals with clinical features of DMD-related conditions (PMID: 29604111; Invitae). This variant is not present in population databases (gnomAD no frequency). This sequence change falls in intron 55 of the DMD gene. It does not directly change the encoded amino acid sequence of the DMD protein. It affects a nucleotide within the consensus splice site.

Genomic Diagnostics Laboratory, National Institute of Medical Genomics
Classification: VUS-high for Duchenne muscular dystrophy. Review status: criteria provided, single submitter. Criteria: ACMG Guidelines, 2015. Collection method: research. Allele origin: germline. Affected: yes.

Literature cited by the submitters: PubMed 17576681 (cited by Labcorp Genetics (formerly Invitae), Labcorp); PubMed 9536098 (cited by Labcorp Genetics (formerly Invitae), Labcorp); PubMed 29604111 (cited by Labcorp Genetics (formerly Invitae), Labcorp).

NM_004006.3(DMD):c.8217+3_8217+6del

Gene: DMD (dystrophin; minus strand). Cytogenetic location: Xp21.1.
Variant type: Microsatellite.
Coding change: c.8217+3_8217+6del on transcript NM_004006.3 (MANE Select); bases 3 to 6 of the intron after coding-DNA position 8217, 4 bases deleted (AAGT; older notation c.8217+3_8217+6delAAGT).
Molecular consequence: splice donor variant.
Genome position (GRCh38, 1-based): chrX:31,627,667-31,627,670, ACTT deleted on the plus strand (AAGT on the coding strand, the reverse complement: DMD is on the minus strand); deleting any 4 consecutive bases within chrX:31,627,667-31,627,674 gives the same sequence; the c. name uses the placement nearest the transcript's 3' end. VCF-style (leftmost placement, unchanged base first): chrX-31627666-GACTT-G. GRCh37 (hg19) VCF-style: chrX-31645783-GACTT-G.
Other names: c.8193+3_8193+6del (NM_000109.4); c.4194+3_4194+6del (NM_004011.4); c.4185+3_4185+6del (NM_004012.4); c.837+3_837+6del (NM_004023.3, NM_004020.4, NM_004022.3 and 2 more transcripts); c.8205+3_8205+6del (NM_004009.3); c.7848+3_7848+6del (NM_004010.3); c.8217+3_8217+6delAAGT (NM_004006.3).
Identifiers: ClinVar variation 2152335 (VCV002152335.5), dbSNP rs2528275282, ClinGen allele CA2580616926.
Genomic context (GRCh38, chrX:31,627,666, plus strand): 5'-AAGTACAAATGCTGAGAATTGTTCAATTGGATCCACAAGAGTGCTAAAGCGGAAATGCCT[GACTT>G]ACTTGCCATTGTTTCATCAGCTCTTTTACTCCCTTGGAGTCTTCTAGGAGCCTTTCCTTA-3'